The following is an entry in ClinVar:

NM_198253.3(TERT):c.2139G>A (p.Val713=)

Gene: TERT (telomerase reverse transcriptase; minus strand). Cytogenetic location: 5p15.33.
Variant type: single nucleotide variant.
Coding change: c.2139G>A on transcript NM_198253.3 (MANE Select); coding-DNA position 2139, G replaced by A.
Protein change: p.Val713=; no amino-acid change (valine 713 retained).
Molecular consequence: synonymous variant. On other transcripts: non-coding transcript variant (1).
Genome position (GRCh38, 1-based): chr5:1,278,788, C>T on the plus strand (G>A on the coding strand, the complement: TERT is on the minus strand). VCF-style: chr5-1278788-C-T. GRCh37 (hg19) VCF-style: chr5-1278903-C-T.
Other names: c.2139G>A, p.Val713= (NM_001193376.3).
Identifiers: ClinVar variation 539258 (VCV000539258.24), dbSNP rs775722062, ClinGen allele CA3184643.
Genomic context (GRCh38, chr5:1,278,788, plus strand): 5'-GATGATGCTGGCGATGACCTCCGTGAGCCTGTCCTGGGGGATGGTGTCGTACGCGCCCGT[C>T]ACATCCACCTGTGTGAGTGGAGGCGAGGAGACTGACAGTGGCCACGCAGAAACTCAGACA-3'
Protein context (NP_937983.2, residues 703-723): PPELYFVKVD[Val713=]TGAYDTIPQD

ClinVar aggregate classification (germline): Benign/Likely benign. Review status: criteria provided, multiple submitters, no conflicts (2 of 4 stars). 8 submissions from 8 submitters: Benign (1); Likely benign (6). 1 of the submissions does not count toward it. Last evaluated 2026-09-01.

Conditions:
TERT-related disorder. Also called: TERT-related condition; TERT-related disorders.
Dyskeratosis congenita, autosomal dominant 2. Identifiers: MedGen C3151443, MONDO:0013521, OMIM 613989.
Idiopathic Pulmonary Fibrosis. Also called: Idiopathic fibrosing alveolitis, chronic form; idiopathic fibrosing alveolitis. Identifiers: Orphanet 2032, MedGen C1800706, MeSH D054990, MONDO:0800504.
Dyskeratosis congenita. Identifiers: Orphanet 1775, MedGen C0265965, MONDO:0015780.

Allele frequency attached by ClinVar (database versions not stated): gnomAD 0.00007 and 0.00008; TOPMed 0.00019; gnomAD exomes 0.00021 and 0.00045; ExAC 0.00034.

Submissions (8):

CeGaT Center for Human Genetics Tuebingen
Classification: Likely benign. Last evaluated: 2026-09-01. Review status: criteria provided, single submitter. Criteria: CeGaT Center For Human Genetics Tuebingen Variant Classification Criteria Version 2. Collection method: clinical testing. Allele origin: germline. Affected: yes. Observed: 1 variant allele.
Comment: TERT: BP4, BP7

Labcorp Genetics (formerly Invitae), Labcorp
Classification: Benign for Dyskeratosis congenita, autosomal dominant 2; Idiopathic Pulmonary Fibrosis. Last evaluated: 2026-01-28. Review status: criteria provided, single submitter. Criteria: Invitae Variant Classification Sherloc (09022015). Collection method: clinical testing. Allele origin: germline.

Ambry Genetics
Classification: Likely benign for Dyskeratosis congenita. Last evaluated: 2022-03-01. Review status: criteria provided, single submitter. Criteria: Ambry Variant Classification Scheme 2023. Collection method: clinical testing. Allele origin: germline.

Sema4
Classification: Likely benign for Dyskeratosis congenita. Last evaluated: 2021-06-17. Review status: criteria provided, single submitter. Criteria: Sema4 Curation Guidelines. Collection method: curation. Allele origin: germline.

Blueprint Genetics
Classification: Likely benign. Last evaluated: 2021-04-29. Review status: criteria provided, single submitter. Criteria: ACMG Guidelines, 2015. Collection method: clinical testing. Allele origin: germline.

GeneDx
Classification: Likely benign. Last evaluated: 2019-11-25. Review status: criteria provided, single submitter. Criteria: GeneDx Variant Classification Process June 2021. Collection method: clinical testing. Allele origin: germline. Affected: yes.
Comment: See Variant Classification Assertion Criteria.

Genetic Services Laboratory, University of Chicago
Classification: Likely benign. Last evaluated: 2019-01-22. Review status: criteria provided, single submitter. Criteria: ACMG Guidelines, 2015. Collection method: clinical testing. Allele origin: germline. Affected: no.

PreventionGenetics, part of Exact Sciences
Classification: Likely benign for TERT-related condition. Last evaluated: 2023-10-13. Review status: no assertion criteria provided. Collection method: clinical testing. Allele origin: germline. Not counted in ClinVar's aggregate classification.
Comment: This variant is classified as likely benign based on ACMG/AMP sequence variant interpretation guidelines (Richards et al. 2015 PMID: 25741868, with internal and published modifications).